The following is an entry in ClinVar:

NM_000038.6(APC):c.6409T>C (p.Ser2137Pro)

Gene: APC (APC regulator of Wnt signaling pathway; plus strand). Cytogenetic location: 5q22.2.
Variant type: single nucleotide variant.
Coding change: c.6409T>C on transcript NM_000038.6 (MANE Select); coding-DNA position 6409, T replaced by C.
Protein change: p.Ser2137Pro; replaces serine 2137 with proline.
Molecular consequence: missense variant.
Genome position (GRCh38, 1-based): chr5:112,842,003, T>C. VCF-style: chr5-112842003-T-C. GRCh37 (hg19) VCF-style: chr5-112177700-T-C.
Other names: c.6409T>C, p.Ser2137Pro (NM_001127510.3, NM_001354895.2); c.6355T>C, p.Ser2119Pro (NM_001127511.3); c.6463T>C, p.Ser2155Pro (NM_001354896.2); c.6439T>C, p.Ser2147Pro (NM_001354897.2); c.6334T>C, p.Ser2112Pro (NM_001354898.2); c.6325T>C, p.Ser2109Pro (NM_001354899.2); c.6286T>C, p.Ser2096Pro (NM_001354900.2); c.6232T>C, p.Ser2078Pro (NM_001354901.2); and 6 more; short protein forms S2119P, S2155P, S1854P, S2036P, S2096P, S2109P, S2147P, S1977P.
Identifiers: ClinVar variation 1484209 (VCV001484209.9), dbSNP rs2149964209, ClinGen allele CA16035362.

ClinVar aggregate classification (germline): Uncertain significance. Review status: criteria provided, multiple submitters, no conflicts (2 of 4 stars). 2 submissions from 2 submitters: Uncertain significance (2). Last evaluated 2025-04-12.

Conditions:
Hereditary cancer-predisposing syndrome. Also called: Hereditary neoplastic syndrome; Neoplastic Syndromes, Hereditary; Hereditary Cancer Syndrome; Tumor predisposition. Identifiers: Orphanet 140162, MedGen C0027672, MeSH D009386, MONDO:0015356.
Familial adenomatous polyposis 1 (FAP1). Also called: POLYPOSIS, ADENOMATOUS INTESTINAL; FAMILIAL ADENOMATOUS POLYPOSIS 1, ATTENUATED. Identifiers: MedGen C2713442, MONDO:0021056, OMIM 175100. Disease mechanism: loss of function.

Submissions (2):

Ambry Genetics
Classification: Uncertain significance for Hereditary cancer-predisposing syndrome. Last evaluated: 2025-04-12. Review status: criteria provided, single submitter. Criteria: Ambry Variant Classification Scheme 2023. Collection method: clinical testing. Allele origin: germline.
Comment: The p.S2137P variant (also known as c.6409T>C), located in coding exon 15 of the APC gene, results from a T to C substitution at nucleotide position 6409. The serine at codon 2137 is replaced by proline, an amino acid with similar properties. This amino acid position is conserved. In addition, in silico predictors for this gene do not accurately predict pathogenicity. Based on the available evidence, the clinical significance of this variant remains unclear.

Labcorp Genetics (formerly Invitae), Labcorp
Classification: Uncertain significance for Familial adenomatous polyposis 1. Last evaluated: 2021-03-10. Review status: criteria provided, single submitter. Criteria: Invitae Variant Classification Sherloc (09022015). Collection method: clinical testing. Allele origin: germline.
Comment: This sequence change replaces serine with proline at codon 2137 of the APC protein (p.Ser2137Pro). The serine residue is highly conserved and there is a moderate physicochemical difference between serine and proline. This variant is not present in population databases (ExAC no frequency). In summary, the available evidence is currently insufficient to determine the role of this variant in disease. Therefore, it has been classified as a Variant of Uncertain Significance. Algorithms developed to predict the effect of missense changes on protein structure and function are either unavailable or do not agree on the potential impact of this missense change (SIFT: "Tolerated"; PolyPhen-2: "Probably Damaging"; Align-GVGD: "Class C0"). This variant has not been reported in the literature in individuals with APC-related conditions.